The following is an entry in ClinVar:

ClinVar aggregate classification (germline): Likely benign. Review status: criteria provided, multiple submitters, no conflicts (2 of 4 stars). 2 submissions from 2 submitters: Likely benign (2). Last evaluated 2025-04-17.

Conditions:
Eichsfeld type congenital muscular dystrophy (CMYO3). Also called: Rigid spine muscular dystrophy 1; MYOPATHY, SEPN1-RELATED; SELENON-related myopathy; Congenital myopathy 3 with rigid spine. Identifiers: MedGen C0410180, MONDO:0100100, OMIM 602771.

Allele frequency attached by ClinVar (database versions not stated): gnomAD 0.00003 and 0.00004; TOPMed 0.00006; gnomAD exomes below 0.00001; 1000 Genomes Project 30x 0.00047.
gnomAD v4.1: 8 of 1,094,970 alleles (0.00073%); highest among the groups gnomAD compares: Admixed American, 0.031%; no homozygotes.

Submissions (2):

Labcorp Genetics (formerly Invitae), Labcorp
Classification: Likely benign for Eichsfeld type congenital muscular dystrophy. Last evaluated: 2025-04-17. Review status: criteria provided, single submitter. Criteria: Invitae Variant Classification Sherloc (09022015). Collection method: clinical testing. Allele origin: germline.

GeneDx
Classification: Likely benign. Last evaluated: 2016-04-19. Review status: criteria provided, single submitter. Criteria: GeneDx Variant Classification (06012015). Collection method: clinical testing. Allele origin: germline. Affected: yes.
Comment: This variant is considered likely benign or benign based on one or more of the following criteria: it is a conservative change, it occurs at a poorly conserved position in the protein, it is predicted to be benign by multiple in silico algorithms, and/or has population frequency not consistent with disease.

NM_206926.2(SELENON):c.183+11G>A

Gene: SELENON (selenoprotein N; plus strand). Cytogenetic location: 1p36.11.
Variant type: single nucleotide variant.
Coding change: c.183+11G>A on transcript NM_206926.2 (MANE Select); 11 bases into the intron after coding-DNA position 183, G replaced by A.
Molecular consequence: intron variant.
Genome position (GRCh38, 1-based): chr1:25,800,424, G>A. VCF-style: chr1-25800424-G-A. GRCh37 (hg19) VCF-style: chr1-26126915-G-A.
Other names: c.183+11G>A (NM_020451.3).
Identifiers: ClinVar variation 385142 (VCV000385142.9), dbSNP rs1015099314, ClinGen allele CA16603683.
Genomic context (GRCh38, chr1:25,800,424, plus strand): 5'-CCGTCCGGGTCTGCGCCCGCCACGCCGAGGCCCAGGCGGCCGCGCGGCAGGTCCGGGCCC[G>A]AGCTGGCTGGGGCGGGAGCGCGGGAGCGGGGACTGAAGGACCCAGCCTCGGCAGCAGGGG-3'